The following is an entry in ClinVar:

NM_022489.4(INF2):c.2523C>A (p.Ser841Arg)

Gene: INF2 (inverted formin 2; plus strand). Cytogenetic location: 14q32.33.
Variant type: single nucleotide variant.
Coding change: c.2523C>A on transcript NM_022489.4 (MANE Select); coding-DNA position 2523, C replaced by A.
Protein change: p.Ser841Arg; replaces serine 841 with arginine.
Molecular consequence: missense variant.
Genome position (GRCh38, 1-based): chr14:104,712,466, C>A. VCF-style: chr14-104712466-C-A. GRCh37 (hg19) VCF-style: chr14-105178803-C-A.
Other names: c.2523C>A, p.Ser841Arg (NM_001031714.4, NM_001426862.1, NM_001426863.1 and 2 more transcripts); short protein forms S841R.
Identifiers: ClinVar variation 2922607 (VCV002922607.3), dbSNP rs1890100793, ClinGen allele CA391221722.

ClinVar aggregate classification (germline): Uncertain significance (1 of 4 stars; one submission).

Conditions:
Charcot-Marie-Tooth disease dominant intermediate E. Also called: CHARCOT-MARIE-TOOTH NEUROPATHY WITH FOCAL SEGMENTAL GLOMERULONEPHRITIS. Identifiers: Orphanet 93114, MedGen C4302667, MONDO:0013758, OMIM 614455.
Focal segmental glomerulosclerosis 5 (FSGS5). Identifiers: Orphanet 656, MedGen C2750475, MONDO:0013191, OMIM 613237.

Submission:

Labcorp Genetics (formerly Invitae), Labcorp
Classification: Uncertain significance for Charcot-Marie-Tooth disease dominant intermediate E; Focal segmental glomerulosclerosis 5. Last evaluated: 2024-01-30. Review status: criteria provided, single submitter. Criteria: Invitae Variant Classification Sherloc (09022015). Collection method: clinical testing. Allele origin: germline.
Comment: This sequence change replaces serine, which is neutral and polar, with arginine, which is basic and polar, at codon 841 of the INF2 protein (p.Ser841Arg). This variant is not present in population databases (gnomAD no frequency). This variant has not been reported in the literature in individuals affected with INF2-related conditions. Advanced modeling of protein sequence and biophysical properties (such as structural, functional, and spatial information, amino acid conservation, physicochemical variation, residue mobility, and thermodynamic stability) performed at Invitae indicates that this missense variant is not expected to disrupt INF2 protein function with a negative predictive value of 95%. In summary, the available evidence is currently insufficient to determine the role of this variant in disease. Therefore, it has been classified as a Variant of Uncertain Significance.